The following is an entry in ClinVar:

ClinVar aggregate classification (germline): Uncertain significance (1 of 4 stars; one submission).

Conditions:
Rienhoff syndrome. Also called: LOEYS-DIETZ SYNDROME 5. Identifiers: MedGen C3810012, MONDO:0014262, OMIM 615582.

Submission:

Labcorp Genetics (formerly Invitae), Labcorp
Classification: Uncertain significance for Rienhoff syndrome. Last evaluated: 2023-10-26. Review status: criteria provided, single submitter. Criteria: Invitae Variant Classification Sherloc (09022015). Collection method: clinical testing. Allele origin: germline.
Comment: This sequence change replaces leucine, which is neutral and non-polar, with proline, which is neutral and non-polar, at codon 239 of the TGFB3 protein (p.Leu239Pro). This variant is not present in population databases (gnomAD no frequency). This variant has not been reported in the literature in individuals affected with TGFB3-related conditions. An algorithm developed to predict the effect of missense changes on protein structure and function (PolyPhen-2) suggests that this variant is likely to be disruptive. In summary, the available evidence is currently insufficient to determine the role of this variant in disease. Therefore, it has been classified as a Variant of Uncertain Significance.

NM_003239.5(TGFB3):c.716T>C (p.Leu239Pro)

Gene: TGFB3 (transforming growth factor beta 3; minus strand). Cytogenetic location: 14q24.3.
Variant type: single nucleotide variant.
Coding change: c.716T>C on transcript NM_003239.5 (MANE Select); coding-DNA position 716, T replaced by C.
Protein change: p.Leu239Pro; replaces leucine 239 with proline.
Molecular consequence: missense variant.
Genome position (GRCh38, 1-based): chr14:75,965,626, A>G on the plus strand (T>C on the coding strand, the complement: TGFB3 is on the minus strand). VCF-style: chr14-75965626-A-G. GRCh37 (hg19) VCF-style: chr14-76431969-A-G.
Other names: c.716T>C, p.Leu239Pro (NM_001329938.2, NM_001329939.2); short protein forms L239P.
Identifiers: ClinVar variation 2760768 (VCV002760768.3), dbSNP rs2504102897, ClinGen allele CA390468886.
Genomic context (GRCh38, chr14:75,965,626, plus strand): 5'-CCATACACATTCATTTTGTTACCTTTGAATTTGATTTCCATCACCTCGTGAATGTTTTCC[A>G]GGATATCTCCATTGGGCTGAAAGGTGTGACATGGACAGTGAATGCTGATTTCTAGACCTA-3'
Protein context (NP_003230.1, residues 229-249): CHTFQPNGDI[Leu239Pro]ENIHEVMEIK